The following is an entry in ClinVar:

NM_001130438.3(SPTAN1):c.7378G>A (p.Glu2460Lys)

Gene: SPTAN1 (spectrin alpha, non-erythrocytic 1; plus strand). Cytogenetic location: 9q34.11.
Variant type: single nucleotide variant.
Coding change: c.7378G>A on transcript NM_001130438.3 (MANE Select); coding-DNA position 7378, G replaced by A.
Protein change: p.Glu2460Lys; replaces glutamic acid 2460 with lysine.
Molecular consequence: missense variant.
Genome position (GRCh38, 1-based): chr9:128,633,278, G>A. VCF-style: chr9-128633278-G-A. GRCh37 (hg19) VCF-style: chr9-131395557-G-A.
Other names: c.7303G>A, p.Glu2435Lys (NM_001195532.2); c.7441G>A, p.Glu2481Lys (NM_001363759.2); c.7318G>A, p.Glu2440Lys (NM_001363765.2, NM_001375314.2); c.7465G>A, p.Glu2489Lys (NM_001375310.1); c.7378G>A, p.Glu2460Lys (NM_001375311.2); c.7414G>A, p.Glu2472Lys (NM_001375312.2); c.7360G>A, p.Glu2454Lys (NM_001375313.1); c.7477G>A, p.Glu2493Lys (NM_001375318.1); and 1 more; short protein forms E2460K, E2472K, E2493K, E2481K, E2440K, E2454K, E2489K, E2435K.
Identifiers: ClinVar variation 931620 (VCV000931620.16), dbSNP rs200531434, ClinGen allele CA5266096.

ClinVar aggregate classification (germline): Uncertain significance. Review status: criteria provided, multiple submitters, no conflicts (2 of 4 stars). 4 submissions from 4 submitters: Uncertain significance (3). 1 of the submissions does not count toward it. Last evaluated 2025-08-18.

Conditions:
SPTAN1-related disorder. Also called: SPTAN1-related condition; SPTAN1-related disorders.
Developmental and epileptic encephalopathy, 5 (DEE5). Identifiers: Orphanet 3451, MedGen C3150731, MONDO:0013277, OMIM 613477.
Early-infantile DEE. Also called: Early infantile epileptic encephalopathy; Ohtahara syndrome; Early infantile epileptic encephalopathy with suppression bursts. Identifiers: Orphanet 1934, MedGen C0393706, MONDO:0800491.

Allele frequency attached by ClinVar (database versions not stated): gnomAD exomes 0.00001 and 0.00002; ExAC 0.00002; gnomAD 0.00003; TOPMed 0.00004; ESP Exome Variant Server 0.00008; 1000 Genomes Project 30x 0.00016; 1000 Genomes Project 0.00020.
gnomAD v4.1: 27 of 1,614,000 alleles (0.0017%); highest among the groups gnomAD compares: African/African-American, 0.008%; no homozygotes.

Submissions (4):

Labcorp Genetics (formerly Invitae), Labcorp
Classification: Uncertain significance for Early-infantile DEE. Last evaluated: 2025-08-18. Review status: criteria provided, single submitter. Criteria: Invitae Variant Classification Sherloc (09022015). Collection method: clinical testing. Allele origin: germline.
Comment: This sequence change replaces glutamic acid, which is acidic and polar, with lysine, which is basic and polar, at codon 2460 of the SPTAN1 protein (p.Glu2460Lys). This variant is present in population databases (rs200531434, gnomAD 0.01%). This variant has not been reported in the literature in individuals affected with SPTAN1-related conditions. ClinVar contains an entry for this variant (Variation ID: 931620). Invitae Evidence Modeling of protein sequence and biophysical properties (such as structural, functional, and spatial information, amino acid conservation, physicochemical variation, residue mobility, and thermodynamic stability) has been performed for this missense variant. However, the output from this modeling did not meet the statistical confidence thresholds required to predict the impact of this variant on SPTAN1 protein function. In summary, the available evidence is currently insufficient to determine the role of this variant in disease. Therefore, it has been classified as a Variant of Uncertain Significance.

Genome-Nilou Lab
Classification: Uncertain significance for Developmental and epileptic encephalopathy, 5. Last evaluated: 2021-07-15. Review status: criteria provided, single submitter. Criteria: ACMG Guidelines, 2015. Collection method: clinical testing. Allele origin: germline. Affected: no.

Centre for Mendelian Genomics, University Medical Centre Ljubljana
Classification: Uncertain significance for Developmental and epileptic encephalopathy, 5. Last evaluated: 2019-08-22. Review status: criteria provided, single submitter. Criteria: ACMG Guidelines, 2015. Collection method: clinical testing. Allele origin: unknown. Affected: yes.
Comment: This variant was classified as: Uncertain significance. The available evidence on this variant's pathogenicity is insufficient or conflicting. The following ACMG criteria were applied in classifying this variant: BS2.

PreventionGenetics, part of Exact Sciences
Classification: Likely benign for SPTAN1-related condition. Last evaluated: 2024-05-02. Review status: no assertion criteria provided. Collection method: clinical testing. Allele origin: germline. Not counted in ClinVar's aggregate classification.
Comment: This variant is classified as likely benign based on ACMG/AMP sequence variant interpretation guidelines (Richards et al. 2015 PMID: 25741868, with internal and published modifications).